The following is an entry in ClinVar:

NM_139283.2(PPTC7):c.469G>C (p.Gly157Arg)

Gene: PPTC7 (protein phosphatase targeting COQ7; minus strand). Cytogenetic location: 12q24.11.
Variant type: single nucleotide variant.
Coding change: c.469G>C on transcript NM_139283.2 (MANE Select); coding-DNA position 469, G replaced by C.
Protein change: p.Gly157Arg; replaces glycine 157 with arginine.
Molecular consequence: missense variant.
Genome position (GRCh38, 1-based): chr12:110,546,013, C>G on the plus strand (G>C on the coding strand, the complement: PPTC7 is on the minus strand). VCF-style: chr12-110546013-C-G. GRCh37 (hg19) VCF-style: chr12-110983818-C-G.
Other names: NR_138550.2:n.690+5776G>C; short protein forms G157R.
Identifiers: ClinVar variation 4819485 (VCV004819485.1).

ClinVar aggregate classification (germline): Uncertain significance (1 of 4 stars; one submission).

Conditions:
Neurodevelopmental disorder. Identifiers: MedGen C1535926, MeSH D065886, MONDO:0700092.

Submission:

Broad Center for Mendelian Genomics, Broad Institute of MIT and Harvard
Classification: Uncertain significance for Neurodevelopmental disorder. Last evaluated: 2026-03-02. Review status: criteria provided, single submitter. Criteria: ACMG Guidelines, 2015. Collection method: research. Allele origin: germline. Inheritance: Autosomal dominant inheritance.
Comment: Trio exome analysis showed this variant to be de novo. The p.Gly157Arg variant in PPTC7 has not been previously reported in the literature in individuals with neurodevelopmental disorders, and was absent from large population studies. Computational prediction tools and conservation analyses suggest that this variant may impact the protein, though this information is not predictive enough to determine an impact. While variants in the PPTC7 gene have been reported in individuals with neurodevelopmental disorders, this association has not been definitively established. In summary, given the limited information about this gene-disease relationship, the significance of the p.Gly157Arg variant is uncertain.